The following is an entry in ClinVar:

NM_001368882.1(COL13A1):c.1216C>T (p.Pro406Ser)

Gene: COL13A1 (collagen type XIII alpha 1 chain; plus strand). Cytogenetic location: 10q22.1.
Variant type: single nucleotide variant.
Coding change: c.1216C>T on transcript NM_001368882.1 (MANE Select); coding-DNA position 1216, C replaced by T.
Protein change: p.Pro406Ser; replaces proline 406 with serine.
Molecular consequence: missense variant.
Genome position (GRCh38, 1-based): chr10:69,922,780, C>T. VCF-style: chr10-69922780-C-T. GRCh37 (hg19) VCF-style: chr10-71682536-C-T.
Other names: c.1183C>T, p.Pro395Ser (NM_001130103.2); c.1153C>T, p.Pro385Ser (NM_001320951.2, NM_001368884.1); c.1180C>T, p.Pro394Ser (NM_001368883.1); c.1117C>T, p.Pro373Ser (NM_001368885.1, NM_080801.4, NM_080802.4); c.553C>T, p.Pro185Ser (NM_001368886.1); c.1126C>T, p.Pro376Ser (NM_001368895.1, NM_080800.4); c.1012C>T, p.Pro338Ser (NM_001368896.1, NM_001368898.1, NM_080798.4); c.1039C>T, p.Pro347Ser (NM_001368897.1); and 1 more; short protein forms P338S, P376S, P347S, P373S, P394S, P406S, P385S, P185S.
Identifiers: ClinVar variation 1516685 (VCV001516685.6), dbSNP rs750562111, ClinGen allele CA5534634.

ClinVar aggregate classification (germline): Uncertain significance (1 of 4 stars; one submission).

Allele frequency attached by ClinVar (database versions not stated): gnomAD 0.00001; gnomAD exomes 0.00004; ExAC 0.00009.
gnomAD v4.1: 43 of 1,589,662 alleles (0.0027%); highest among the groups gnomAD compares: South Asian, 0.047%; no homozygotes.

Submission:

Labcorp Genetics (formerly Invitae), Labcorp
Classification: Uncertain significance. Last evaluated: 2022-03-10. Review status: criteria provided, single submitter. Criteria: Invitae Variant Classification Sherloc (09022015). Collection method: clinical testing. Allele origin: germline.
Comment: This variant is present in population databases (rs750562111, gnomAD 0.04%). This sequence change replaces proline, which is neutral and non-polar, with serine, which is neutral and polar, at codon 395 of the COL13A1 protein (p.Pro395Ser). This variant has not been reported in the literature in individuals affected with COL13A1-related conditions. Algorithms developed to predict the effect of missense changes on protein structure and function (SIFT, PolyPhen-2, Align-GVGD) all suggest that this variant is likely to be disruptive. In summary, the available evidence is currently insufficient to determine the role of this variant in disease. Therefore, it has been classified as a Variant of Uncertain Significance.